The following is an entry in ClinVar:

NM_001009944.3(PKD1):c.2098-1G>C

Gene: PKD1 (polycystin 1, transient receptor potential channel interacting; minus strand). Cytogenetic location: 16p13.3.
Variant type: single nucleotide variant.
Coding change: c.2098-1G>C on transcript NM_001009944.3 (MANE Select); the canonical splice acceptor site of the intron before coding-DNA position 2098, G replaced by C.
Molecular consequence: splice acceptor variant.
Genome position (GRCh38, 1-based): chr16:2,114,926, C>G on the plus strand (G>C on the coding strand, the complement: PKD1 is on the minus strand). VCF-style: chr16-2114926-C-G. GRCh37 (hg19) VCF-style: chr16-2164927-C-G.
Other names: c.2098-1G>C (NM_000296.4, NM_001009944.2).
Identifiers: ClinVar variation 562361 (VCV000562361.2), dbSNP rs1567211807, ClinGen allele CA394389404.

ClinVar aggregate classification (germline): Pathogenic. Review status: criteria provided, single submitter (1 of 4 stars). 2 submissions from 2 submitters: Pathogenic (1). 1 of the submissions does not count toward it. Last evaluated 2025-11-06.

Conditions:
PKD1-related disorder. Also called: PKD1-related condition.

Submissions (2):

PreventionGenetics, part of Exact Sciences
Classification: Pathogenic for PKD1-related condition. Last evaluated: 2025-11-06. Review status: criteria provided, single submitter. Criteria: ACMG Guidelines, 2015. Collection method: clinical testing. Allele origin: germline.
Comment: The PKD1 c.2098-1G>C variant is predicted to disrupt the AG splice acceptor site and interfere with normal splicing. This variant has been reported in an individual with renal disease (Table S7, Groopman et al. 2019. PubMed ID: 30586318). This variant has not been reported in a large population database (gnomAD), indicating this variant is rare. Variants that disrupt the consensus splice acceptor site in PKD1 are expected to be pathogenic. This variant is interpreted as pathogenic.

Gharavi Laboratory, Columbia University
Classification: Pathogenic. Last evaluated: 2018-09-16. Review status: no assertion criteria provided. Criteria: ACMG Guidelines, 2015. Collection method: research. Allele origin: germline. Affected: yes. Not counted in ClinVar's aggregate classification.